The following is an entry in ClinVar:

ClinVar aggregate classification (germline): Uncertain significance. Review status: criteria provided, multiple submitters, no conflicts (2 of 4 stars). 3 submissions from 3 submitters: Uncertain significance (3). Last evaluated 2023-12-21.

Conditions:
Cardiovascular phenotype. Identifiers: MedGen CN230736.

Allele frequency attached by ClinVar (database versions not stated): ExAC 0.00002.
gnomAD v4.1: 41 of 1,597,722 alleles (0.0026%); highest among the groups gnomAD compares: Non-Finnish European, 0.0034%; no homozygotes.

Submissions (3):

Blueprint Genetics
Classification: Uncertain significance. Last evaluated: 2023-12-21. Review status: criteria provided, single submitter. Criteria: ACMG Guidelines, 2015. Collection method: clinical testing. Allele origin: germline.

GeneDx
Classification: Uncertain significance. Last evaluated: 2022-10-04. Review status: criteria provided, single submitter. Criteria: GeneDx Variant Classification Process June 2021. Collection method: clinical testing. Allele origin: germline. Affected: yes.
Comment: Not observed at significant frequency in large population cohorts (gnomAD); In silico analysis supports that this missense variant has a deleterious effect on protein structure/function; Has not been previously published as pathogenic or benign to our knowledge

Ambry Genetics
Classification: Uncertain significance for Cardiovascular phenotype. Last evaluated: 2022-07-29. Review status: criteria provided, single submitter. Criteria: Ambry Variant Classification Scheme 2023. Collection method: clinical testing. Allele origin: germline.
Comment: The p.M333K variant (also known as c.998T>A), located in coding exon 12 of the TECRL gene, results from a T to A substitution at nucleotide position 998. The methionine at codon 333 is replaced by lysine, an amino acid with similar properties. This amino acid position is highly conserved in available vertebrate species. In addition, this alteration is predicted to be deleterious by in silico analysis. Since supporting evidence is limited at this time, the clinical significance of this alteration remains unclear.

NM_001010874.5(TECRL):c.998T>A (p.Met333Lys)

Gene: TECRL (trans-2,3-enoyl-CoA reductase like; minus strand). Cytogenetic location: 4q13.1.
Variant type: single nucleotide variant.
Coding change: c.998T>A on transcript NM_001010874.5 (MANE Select); coding-DNA position 998, T replaced by A.
Protein change: p.Met333Lys; replaces methionine 333 with lysine.
Molecular consequence: missense variant. On other transcripts: intron variant (1).
Genome position (GRCh38, 1-based): chr4:64,280,166, A>T on the plus strand (T>A on the coding strand, the complement: TECRL is on the minus strand). VCF-style: chr4-64280166-A-T. GRCh37 (hg19) VCF-style: chr4-65145884-A-T.
Other names: c.964+875T>A (NM_001363796.1); short protein forms M333K.
Identifiers: ClinVar variation 1768825 (VCV001768825.4), dbSNP rs780720827, ClinGen allele CA2935266.